The following is an entry in ClinVar:

ClinVar aggregate classification (germline): Pathogenic (1 of 4 stars; one submission).

Conditions:
DYRK1A-related intellectual disability syndrome (MRD7). Also called: DYRK1A Syndrome; Intellectual developmental disorder, autosomal dominant 7. Identifiers: Orphanet 464306, MedGen C5568143, MONDO:0013578, OMIM 614104.

Submission:

Laboratory of Medical Genetics, National & Kapodistrian University of Athens
Classification: Pathogenic for DYRK1A-related intellectual disability syndrome. Last evaluated: 2021-10-01. Review status: criteria provided, single submitter. Criteria: ACMG Guidelines, 2015. Collection method: clinical testing. Allele origin: unknown. Affected: yes.
Comment: PVS1, PM2, PP3

Literature cited by the submitters: PubMed 34008892.

NM_001347721.2(DYRK1A):c.433_439del (p.Lys145fs)

Gene: DYRK1A (dual specificity tyrosine phosphorylation regulated kinase 1A; plus strand). Cytogenetic location: 21q22.13.
Variant type: Deletion.
Coding change: c.433_439del on transcript NM_001347721.2 (MANE Select); coding-DNA positions 433 to 439, 7 bases deleted (AAGTGGA; older notation c.433_439delAAGTGGA).
Protein change: p.Lys145fs; shifts the reading frame from lysine 145.
Molecular consequence: frameshift variant.
Genome position (GRCh38, 1-based): chr21:37,480,770-37,480,776, AAGTGGA deleted; deleting any 7 consecutive bases within chr21:37,480,769-37,480,776 gives the same sequence; the c. name uses the placement nearest the transcript's 3' end. VCF-style (leftmost placement, unchanged base first): chr21-37480768-AAAAGTGG-A. GRCh37 (hg19) VCF-style: chr21-38853070-AAAAGTGG-A.
Other names: c.433_439del, p.Lys145fs (NM_001347722.2, NM_130436.2); c.346_352del, p.Lys116fs (NM_001347723.2); c.460_466del, p.Lys154fs (NM_001396.5, NM_101395.2, NM_130438.2); short protein forms K116fs, K145fs, K154fs.
Identifiers: ClinVar variation 1299504 (VCV001299504.1), dbSNP rs2148582438, ClinGen allele CA2499225901.